The following is an entry in ClinVar:

ClinVar aggregate classification (germline): Pathogenic (1 of 4 stars; one submission).

Conditions:
Cystic fibrosis (CF). Also called: MUCOVISCIDOSIS. Identifiers: Orphanet 586, MedGen C0010674, MONDO:0009061, OMIM 219700. Disease mechanism: loss of function.

Submission:

Labcorp Genetics (formerly Invitae), Labcorp
Classification: Pathogenic for Cystic fibrosis. Last evaluated: 2023-01-24. Review status: criteria provided, single submitter. Criteria: Invitae Variant Classification Sherloc (09022015). Collection method: clinical testing. Allele origin: germline.
Comment: Disruption of this splice site has been observed in individual(s) with cystic fibrosis (PMID: 7506605, 23974870, 28546993). In at least one individual the data is consistent with being in trans (on the opposite chromosome) from a pathogenic variant. This variant is not present in population databases (gnomAD no frequency). This sequence change affects a donor splice site in intron 3 of the CFTR gene. RNA analysis indicates that disruption of this splice site induces altered splicing and may result in an absent or disrupted protein product. Studies have shown that disruption of this splice site results in skipping of exon 3 and introduces a premature termination codon (PMID: 7506605). The resulting mRNA is expected to undergo nonsense-mediated decay. For these reasons, this variant has been classified as Pathogenic.

Literature cited by the submitters: PubMed 7506605; PubMed 23974870; PubMed 28546993.

NM_000492.4(CFTR):c.273+2T>C

Gene: CFTR (CF transmembrane conductance regulator; plus strand). Cytogenetic location: 7q31.2.
Variant type: single nucleotide variant.
Coding change: c.273+2T>C on transcript NM_000492.4 (MANE Select); the canonical splice donor site of the intron after coding-DNA position 273, T replaced by C.
Molecular consequence: splice donor variant.
Genome position (GRCh38, 1-based): chr7:117,509,144, T>C. VCF-style: chr7-117509144-T-C. GRCh37 (hg19) VCF-style: chr7-117149198-T-C.
Identifiers: ClinVar variation 2829887 (VCV002829887.3), dbSNP rs2484975661, ClinGen allele CA368972319.